The following is an entry in ClinVar:

ClinVar aggregate classification (germline): Pathogenic (1 of 4 stars; one submission).

Conditions:
Chédiak-Higashi syndrome (CHS). Also called: Chediak-Higashi Syndrome. Identifiers: Orphanet 167, MedGen C0007965, MONDO:0008963, OMIM 214500.

Submission:

Labcorp Genetics (formerly Invitae), Labcorp
Classification: Pathogenic for Chédiak-Higashi syndrome. Last evaluated: 2022-08-01. Review status: criteria provided, single submitter. Criteria: Invitae Variant Classification Sherloc (09022015). Collection method: clinical testing. Allele origin: germline.
Comment: This sequence change creates a premature translational stop signal (p.Glu1304Lysfs*13) in the LYST gene. It is expected to result in an absent or disrupted protein product. Loss-of-function variants in LYST are known to be pathogenic (PMID: 9215679, 11857544). This variant is not present in population databases (gnomAD no frequency). This variant has not been reported in the literature in individuals affected with LYST-related conditions. Algorithms developed to predict the effect of sequence changes on RNA splicing suggest that this variant may create or strengthen a splice site. For these reasons, this variant has been classified as Pathogenic.

Literature cited by the submitters: PubMed 9215679; PubMed 11857544.

NM_000081.4(LYST):c.3910del (p.Glu1304fs)

Gene: LYST (lysosomal trafficking regulator; minus strand). Cytogenetic location: 1q42.3.
Variant type: Deletion.
Coding change: c.3910del on transcript NM_000081.4 (MANE Select); coding-DNA position 3910, one base deleted (G; older notation c.3910delG).
Protein change: p.Glu1304fs; shifts the reading frame from glutamic acid 1304.
Molecular consequence: frameshift variant.
Genome position (GRCh38, 1-based): chr1:235,800,900, C deleted on the plus strand (G on the coding strand, the reverse complement: LYST is on the minus strand). VCF-style (leftmost placement, unchanged base first): chr1-235800899-TC-T. GRCh37 (hg19) VCF-style: chr1-235964199-TC-T.
Other names: c.3910del, p.Glu1304fs (NM_001301365.1); short protein forms E1304fs.
Identifiers: ClinVar variation 2020927 (VCV002020927.4), dbSNP rs2527014983, ClinGen allele CA2580062327.
Genomic context (GRCh38, chr1:235,800,899, plus strand): 5'-ATTGATCACATTTAACTAAATGAATTTTTTACCTGTTGCATGAGCAGAAAAACATTCTTT[TC>T]TTTCTGCCTAATAATTTTCAAAAAACTCTCAAATACATGGGCAAGCACATCAAGTTTGGC-3'